The following is an entry in ClinVar:

NM_198253.3(TERT):c.314A>C (p.Asp105Ala)

Gene: TERT (telomerase reverse transcriptase; minus strand). Cytogenetic location: 5p15.33.
Variant type: single nucleotide variant.
Coding change: c.314A>C on transcript NM_198253.3 (MANE Select); coding-DNA position 314, A replaced by C.
Protein change: p.Asp105Ala; replaces aspartic acid 105 with alanine.
Molecular consequence: missense variant. On other transcripts: non-coding transcript variant (2).
Genome position (GRCh38, 1-based): chr5:1,294,572, T>G on the plus strand (A>C on the coding strand, the complement: TERT is on the minus strand). VCF-style: chr5-1294572-T-G. GRCh37 (hg19) VCF-style: chr5-1294687-T-G.
Other names: c.314A>C, p.Asp105Ala (NM_001193376.3); short protein forms D105A.
Identifiers: ClinVar variation 4986579 (VCV004986579.1).

ClinVar aggregate classification (germline): Uncertain significance (1 of 4 stars; one submission).

Conditions:
TERT-related disorder. Also called: TERT-related condition; TERT-related disorders.

Submission:

PreventionGenetics, part of Exact Sciences
Classification: Uncertain significance for TERT-related condition. Last evaluated: 2025-12-08. Review status: criteria provided, single submitter. Criteria: ACMG Guidelines, 2015. Collection method: clinical testing. Allele origin: germline.
Comment: The TERT c.314A>C variant is predicted to result in the amino acid substitution p.Asp105Ala. To our knowledge, this variant has not been reported in the literature or in a large population database (gnomAD), indicating this variant is rare. At this time, the clinical significance of this variant is uncertain due to the absence of conclusive functional and genetic evidence.